The following is an entry in ClinVar:

NM_001042517.2(DIAPH3):c.2629G>T (p.Asp877Tyr)

Gene: DIAPH3 (diaphanous related formin 3; minus strand). Cytogenetic location: 13q21.2.
Variant type: single nucleotide variant.
Coding change: c.2629G>T on transcript NM_001042517.2 (MANE Select); coding-DNA position 2629, G replaced by T.
Protein change: p.Asp877Tyr; replaces aspartic acid 877 with tyrosine.
Molecular consequence: missense variant.
Genome position (GRCh38, 1-based): chr13:59,861,515, C>A on the plus strand (G>T on the coding strand, the complement: DIAPH3 is on the minus strand). VCF-style: chr13-59861515-C-A. GRCh37 (hg19) VCF-style: chr13-60435649-C-A.
Other names: c.2596G>T, p.Asp866Tyr (NM_001258366.2); c.2491G>T, p.Asp831Tyr (NM_001258367.2); c.2419G>T, p.Asp807Tyr (NM_001258368.2); c.2629G>T, p.Asp877Tyr (NM_001258369.2); c.1840G>T, p.Asp614Tyr (NM_001258370.2, NM_030932.4); short protein forms D614Y, D807Y, D866Y, D877Y, D831Y.
Identifiers: ClinVar variation 2879342 (VCV002879342.3), dbSNP rs748797648, ClinGen allele CA388329871.

ClinVar aggregate classification (germline): Uncertain significance (1 of 4 stars; one submission).

Submission:

Labcorp Genetics (formerly Invitae), Labcorp
Classification: Uncertain significance. Last evaluated: 2023-08-14. Review status: criteria provided, single submitter. Criteria: Invitae Variant Classification Sherloc (09022015). Collection method: clinical testing. Allele origin: germline.
Comment: In summary, the available evidence is currently insufficient to determine the role of this variant in disease. Therefore, it has been classified as a Variant of Uncertain Significance. An algorithm developed to predict the effect of missense changes on protein structure and function (PolyPhen-2) suggests that this variant is likely to be disruptive. This variant has not been reported in the literature in individuals affected with DIAPH3-related conditions. This variant is not present in population databases (gnomAD no frequency). This sequence change replaces aspartic acid, which is acidic and polar, with tyrosine, which is neutral and polar, at codon 877 of the DIAPH3 protein (p.Asp877Tyr).